The following is an entry in ClinVar:

ClinVar aggregate classification (germline): Likely benign. Review status: criteria provided, multiple submitters, no conflicts (2 of 4 stars). 2 submissions from 2 submitters: Likely benign (2). Last evaluated 2024-06-28.

Conditions:
Epileptic encephalopathy. Identifiers: MedGen C0543888, HP:0200134.

Allele frequency attached by ClinVar (database versions not stated): TOPMed 0.00001; gnomAD 0.00002; gnomAD exomes 0.00006; ExAC 0.00007.
gnomAD v4.1: 58 of 1,613,734 alleles (0.0036%); highest among the groups gnomAD compares: Middle Eastern, 0.017%; no homozygotes.

Submissions (2):

Labcorp Genetics (formerly Invitae), Labcorp
Classification: Likely benign for Epileptic encephalopathy. Last evaluated: 2024-06-28. Review status: criteria provided, single submitter. Criteria: Invitae Variant Classification Sherloc (09022015). Collection method: clinical testing. Allele origin: germline.

CeGaT Center for Human Genetics Tuebingen
Classification: Likely benign. Last evaluated: 2022-10-01. Review status: criteria provided, single submitter. Criteria: CeGaT Center For Human Genetics Tuebingen Variant Classification Criteria Version 2. Collection method: clinical testing. Allele origin: germline. Affected: yes. Observed: 2 variant alleles.
Comment: GABBR2: BP4, BP7

NM_005458.8(GABBR2):c.369C>T (p.Tyr123=)

Gene: GABBR2 (gamma-aminobutyric acid type B receptor subunit 2; minus strand). Cytogenetic location: 9q22.33.
Variant type: single nucleotide variant.
Coding change: c.369C>T on transcript NM_005458.8 (MANE Select); coding-DNA position 369, C replaced by T.
Protein change: p.Tyr123=; no amino-acid change (tyrosine 123 retained).
Molecular consequence: synonymous variant.
Genome position (GRCh38, 1-based): chr9:98,578,025, G>A on the plus strand (C>T on the coding strand, the complement: GABBR2 is on the minus strand). VCF-style: chr9-98578025-G-A. GRCh37 (hg19) VCF-style: chr9-101340307-G-A.
Identifiers: ClinVar variation 1116777 (VCV001116777.32), dbSNP rs754632417, ClinGen allele CA5153009.